The following is an entry in ClinVar:

NM_023110.3(FGFR1):c.2424C>G (p.Pro808=)

Gene: FGFR1 (fibroblast growth factor receptor 1; minus strand). Cytogenetic location: 8p11.23.
Variant type: single nucleotide variant.
Coding change: c.2424C>G on transcript NM_023110.3 (MANE Select); coding-DNA position 2424, C replaced by G.
Protein change: p.Pro808=; no amino-acid change (proline 808 retained).
Molecular consequence: synonymous variant. On other transcripts: intron variant (3).
Genome position (GRCh38, 1-based): chr8:38,413,673, G>C on the plus strand (C>G on the coding strand, the complement: FGFR1 is on the minus strand). VCF-style: chr8-38413673-G-C. GRCh37 (hg19) VCF-style: chr8-38271191-G-C.
Other names: c.2418C>G, p.Pro806= (NM_001174063.2, NM_001174065.2, NM_015850.4); c.2394C>G, p.Pro798= (NM_001174064.2); c.2157C>G, p.Pro719= (NM_001174066.2, NM_023105.3); c.2517C>G, p.Pro839= (NM_001174067.2); c.2145C>G, p.Pro715= (NM_001354368.2); c.2151C>G, p.Pro717= (NM_023106.3); c.2019+245C>G (NM_001354370.2); c.2286+245C>G (NM_001354367.2); and 1 more.
Identifiers: ClinVar variation 698372 (VCV000698372.10), dbSNP rs374507681, ClinGen allele CA4718075.

ClinVar aggregate classification (germline): Benign/Likely benign. Review status: criteria provided, multiple submitters, no conflicts (2 of 4 stars). 4 submissions from 4 submitters: Benign (1); Likely benign (3). Last evaluated 2026-01-05.

Conditions:
Pfeiffer syndrome (ACS5). Also called: ACS V. Identifiers: Orphanet 710, MedGen C0220658, MONDO:0007043, OMIM 101600.
Hypogonadotropic hypogonadism 2 with or without anosmia (HH2). Also called: FGFR1-Related GnRH Deficiency (Kallmann Syndrome 2); HYPOGONADOTROPIC HYPOGONADISM 2 WITHOUT ANOSMIA; HYPOGONADOTROPIC HYPOGONADISM 2 WITH OR WITHOUT ANOSMIA, SUSCEPTIBILITY TO; HYPOGONADOTROPIC HYPOGONADISM 2 WITHOUT ANOSMIA, SUSCEPTIBILITY TO. Identifiers: Orphanet 478, MedGen C1563720, MONDO:0007844, OMIM 147950. Disease mechanism: loss of function.
Trigonocephaly 1 (TRIGNO1). Identifiers: Orphanet 3366, MedGen C0432122, MONDO:0008603, OMIM 190440.
Osteoglophonic dysplasia (OGD). Also called: Osteoglophonic dwarfism. Identifiers: Orphanet 2645, MedGen C0432283, MONDO:0008150, OMIM 166250.
Encephalocraniocutaneous lipomatosis (ECCL). Identifiers: Orphanet 2396, MedGen C0406612, MONDO:0013074, OMIM 613001.
Hartsfield-Bixler-Demyer syndrome (HRTFDS). Also called: FGFR1-Related Hartsfield Syndrome; Holoprosencephaly, ectrodactyly, and bilateral cleft lip/palate; Hartsfield syndrome. Identifiers: Orphanet 2117, MedGen C1845146, MONDO:0014196, OMIM 615465. Disease mechanism: loss of function.
Jackson-Weiss syndrome (JWS). Also called: CRANIOSYNOSTOSIS, MIDFACIAL HYPOPLASIA, AND FOOT ABNORMALITIES. Identifiers: Orphanet 1540, MedGen C0795998, MONDO:0007400, OMIM 123150. Disease mechanism: loss of function.
FGFR1-related disorder. Also called: FGFR1-related disorders; FGFR1-related condition. Identifiers: MedGen CN380097.

Allele frequency attached by ClinVar (database versions not stated): gnomAD exomes 0.00002 and 0.00007; ExAC 0.00008; gnomAD 0.00027 and 0.00029; TOPMed 0.00033; ESP Exome Variant Server 0.00048.
gnomAD v4.1: 72 of 1,613,262 alleles (0.0045%); highest among the groups gnomAD compares: African/African-American, 0.08%; no homozygotes.

Submissions (4):

Labcorp Genetics (formerly Invitae), Labcorp
Classification: Benign for Pfeiffer syndrome; Hypogonadotropic hypogonadism 2 with or without anosmia. Last evaluated: 2026-01-05. Review status: criteria provided, single submitter. Criteria: Invitae Variant Classification Sherloc (09022015). Collection method: clinical testing. Allele origin: germline.

PreventionGenetics, part of Exact Sciences
Classification: Likely benign for FGFR1-related condition. Last evaluated: 2025-10-13. Review status: criteria provided, single submitter. Criteria: ACMG Guidelines, 2015. Collection method: clinical testing. Allele origin: germline.
Comment: This variant is classified as likely benign based on ACMG/AMP sequence variant interpretation guidelines (Richards et al. 2015 PMID: 25741868, with internal and published modifications).

Blueprint Genetics
Classification: Likely benign. Last evaluated: 2024-02-08. Review status: criteria provided, single submitter. Criteria: ACMG Guidelines, 2015. Collection method: clinical testing. Allele origin: germline.

Fulgent Genetics
Classification: Likely benign for Pfeiffer syndrome; Jackson-Weiss syndrome; Hypogonadotropic hypogonadism 2 with or without anosmia; Osteoglophonic dysplasia; Trigonocephaly 1; Encephalocraniocutaneous lipomatosis; Hartsfield-Bixler-Demyer syndrome. Last evaluated: 2021-09-20. Review status: criteria provided, single submitter. Criteria: ACMG Guidelines, 2015. Collection method: clinical testing. Allele origin: unknown.